The following is an entry in ClinVar:

ClinVar aggregate classification (germline): Uncertain significance (1 of 4 stars; one submission).

Submission:

Labcorp Genetics (formerly Invitae), Labcorp
Classification: Uncertain significance. Last evaluated: 2025-06-12. Review status: criteria provided, single submitter. Criteria: Invitae Variant Classification Sherloc (09022015). Collection method: clinical testing. Allele origin: germline.
Comment: This sequence change replaces isoleucine, which is neutral and non-polar, with leucine, which is neutral and non-polar, at codon 2498 of the RNF213 protein (p.Ile2498Leu). This variant is not present in population databases (gnomAD no frequency). This variant has not been reported in the literature in individuals affected with RNF213-related conditions. ClinVar contains an entry for this variant (Variation ID: 2790815). Invitae Evidence Modeling of protein sequence and biophysical properties (such as structural, functional, and spatial information, amino acid conservation, physicochemical variation, residue mobility, and thermodynamic stability) indicates that this missense variant is not expected to disrupt RNF213 protein function with a negative predictive value of 95%. In summary, the available evidence is currently insufficient to determine the role of this variant in disease. Therefore, it has been classified as a Variant of Uncertain Significance.

NM_001256071.3(RNF213):c.7492A>C (p.Ile2498Leu)

Gene: RNF213 (ring finger protein 213; plus strand). Cytogenetic location: 17q25.3.
Variant type: single nucleotide variant.
Coding change: c.7492A>C on transcript NM_001256071.3 (MANE Select); coding-DNA position 7492, A replaced by C.
Protein change: p.Ile2498Leu; replaces isoleucine 2498 with leucine.
Molecular consequence: missense variant.
Genome position (GRCh38, 1-based): chr17:80,345,827, A>C. VCF-style: chr17-80345827-A-C. GRCh37 (hg19) VCF-style: chr17-78319627-A-C.
Other names: c.7639A>C, p.Ile2547Leu (NM_001410195.1, NM_020914.5); short protein forms I2547L, I2498L.
Identifiers: ClinVar variation 2790815 (VCV002790815.3), dbSNP rs2511381944, ClinGen allele CA401395891.